The following is an entry in ClinVar:

ClinVar aggregate classification (germline): Pathogenic/Likely pathogenic. Review status: criteria provided, multiple submitters, no conflicts (2 of 4 stars). 4 submissions from 4 submitters: Pathogenic (1); Likely pathogenic (3). Last evaluated 2025-12-26.

Conditions:
Hereditary factor XI deficiency disease. Also called: PLASMA THROMBOPLASTIN ANTECEDENT DEFICIENCY; PTA DEFICIENCY; ROSENTHAL SYNDROME; Congenital factor XI deficiency. Identifiers: Orphanet 329, MedGen C0015523, MeSH D005173, MONDO:0012897, OMIM 612416.
Plasma factor XI deficiency.

gnomAD v4.1: 5 of 1,613,842 alleles (0.00031%); highest among the groups gnomAD compares: Middle Eastern, 0.016%; no homozygotes.

Submissions (4):

Natera, Inc.
Classification: Likely pathogenic for Plasma factor XI deficiency. Last evaluated: 2025-12-26. Review status: criteria provided, single submitter. Criteria: Natera Variant Classification Schema (03/2026). Collection method: clinical testing. Allele origin: germline.
Comment: The c.1557G>C variant in F11 is a missense variant predicted to cause substitution of tryptophan to cysteine at amino acid 519. This variant is rare in the general population with a frequency below the threshold expected for the associated phenotype(s). This variant has been observed in one or more individuals affected with the associated recessive disease, as either homozygous or compound heterozygous with a second variant (PMID: 34799507, 27067486). A different variant at the same position has been determined to be Pathogenic or Likely Pathogenic. Computational prediction algorithms indicate this variant is likely to affect gene or protein function. Given the available evidence, this variant is classified as Likely Pathogenic.

Myriad Genetics, Inc.
Classification: Likely pathogenic for Hereditary factor XI deficiency disease. Last evaluated: 2025-10-07. Review status: criteria provided, single submitter. Criteria: Myriad Autosomal Dominant, Autosomal Recessive and X-Linked Classification Criteria (2023). Collection method: clinical testing. Allele origin: unknown.
Comment: NM_000128.3(F11):c.1557G>C(W519C) is a missense variant classified as likely pathogenic in the context of factor XI deficiency. W519C has been observed in cases with relevant disease (PMID: 15060426, 19652879, 27067486, 38835089). Relevant functional assessments of this variant are not available in the literature. W519C has been observed in referenced population frequency databases. In summary, NM_000128.3(F11):c.1557G>C(W519C) is a missense variant that has been observed more frequently in cases with the relevant disease than in healthy populations. Please note: this variant was assessed in the context of healthy population screening.

GeneDx
Classification: Likely pathogenic. Last evaluated: 2024-12-31. Review status: criteria provided, single submitter. Criteria: GeneDx Variant Classification Process June 2021. Collection method: clinical testing. Allele origin: germline. Affected: yes.
Comment: Not observed at significant frequency in large population cohorts (gnomAD); In silico analysis supports that this missense variant has a deleterious effect on protein structure/function; This variant is associated with the following publications: (PMID: 25525159, 15060426, 19652879, 34799507)

Labcorp Genetics (formerly Invitae), Labcorp
Classification: Pathogenic. Last evaluated: 2023-08-01. Review status: criteria provided, single submitter. Criteria: Invitae Variant Classification Sherloc (09022015). Collection method: clinical testing. Allele origin: germline.
Comment: For these reasons, this variant has been classified as Pathogenic. This variant disrupts the p.Trp519 amino acid residue in F11. Other variant(s) that disrupt this residue have been determined to be pathogenic (PMID: 27067486, 30950027). This suggests that this residue is clinically significant, and that variants that disrupt this residue are likely to be disease-causing. Algorithms developed to predict the effect of sequence changes on RNA splicing suggest that this variant may create or strengthen a splice site. Advanced modeling of protein sequence and biophysical properties (such as structural, functional, and spatial information, amino acid conservation, physicochemical variation, residue mobility, and thermodynamic stability) performed at Invitae indicates that this missense variant is expected to disrupt F11 protein function. This variant is also known as Trp501Cys. This missense change has been observed in individuals with autosomal recessive factor XI deficiency (PMID: 15060426, 19652879). This variant is present in population databases (no rsID available, gnomAD 0.006%). This sequence change replaces tryptophan, which is neutral and slightly polar, with cysteine, which is neutral and slightly polar, at codon 519 of the F11 protein (p.Trp519Cys).

Literature cited by the submitters: PubMed 34799507 (cited by Natera, Inc.); PubMed 27067486 (cited by 3 submitters); PubMed 15060426 (cited by Myriad Genetics, Inc. and Labcorp Genetics (formerly Invitae), Labcorp); PubMed 19652879 (cited by Myriad Genetics, Inc. and Labcorp Genetics (formerly Invitae), Labcorp); PubMed 38835089 (cited by Myriad Genetics, Inc.); PubMed 30950027 (cited by Labcorp Genetics (formerly Invitae), Labcorp).

NM_000128.4(F11):c.1557G>C (p.Trp519Cys)

Genes: F11 (coagulation factor XI; plus strand), F11-AS1 (F11 antisense RNA 1; minus strand). Cytogenetic location: 4q35.2.
Variant type: single nucleotide variant.
Coding change: c.1557G>C on transcript NM_000128.4 (MANE Select); coding-DNA position 1557, G replaced by C.
Protein change: p.Trp519Cys; replaces tryptophan 519 with cysteine.
Molecular consequence: missense variant.
Genome position (GRCh38, 1-based): chr4:186,286,491, G>C. VCF-style: chr4-186286491-G-C. GRCh37 (hg19) VCF-style: chr4-187207645-G-C.
Other names: short protein forms W519C.
Identifiers: ClinVar variation 2734697 (VCV002734697.6), dbSNP rs1334907475, ClinGen allele CA358944302.